The following is an entry in ClinVar:

ClinVar aggregate classification (germline): Uncertain significance (1 of 4 stars; one submission).

Allele frequency attached by ClinVar (database versions not stated): TOPMed below 0.00001.

Submission:

Labcorp Genetics (formerly Invitae), Labcorp
Classification: Uncertain significance. Last evaluated: 2024-04-08. Review status: criteria provided, single submitter. Criteria: Invitae Variant Classification Sherloc (09022015). Collection method: clinical testing. Allele origin: germline.
Comment: This sequence change falls in intron 7 of the SZT2 gene. It does not directly change the encoded amino acid sequence of the SZT2 protein. It affects a nucleotide within the consensus splice site. This variant is not present in population databases (gnomAD no frequency). This variant has not been reported in the literature in individuals affected with SZT2-related conditions. ClinVar contains an entry for this variant (Variation ID: 839127). Variants that disrupt the consensus splice site are a relatively common cause of aberrant splicing (PMID: 17576681, 9536098). Algorithms developed to predict the effect of sequence changes on RNA splicing suggest that this variant is not likely to affect RNA splicing. In summary, the available evidence is currently insufficient to determine the role of this variant in disease. Therefore, it has been classified as a Variant of Uncertain Significance.

Literature cited by the submitters: PubMed 17576681; PubMed 9536098.

NM_001365999.1(SZT2):c.880-3C>T

Gene: SZT2 (SZT2 subunit of KICSTOR complex; plus strand). Cytogenetic location: 1p34.2.
Variant type: single nucleotide variant.
Coding change: c.880-3C>T on transcript NM_001365999.1 (MANE Select); 3 bases into the intron before coding-DNA position 880, C replaced by T.
Molecular consequence: intron variant.
Genome position (GRCh38, 1-based): chr1:43,419,731, C>T. VCF-style: chr1-43419731-C-T. GRCh37 (hg19) VCF-style: chr1-43885402-C-T.
Other names: c.880-3C>T (NM_015284.4).
Identifiers: ClinVar variation 839127 (VCV000839127.10), dbSNP rs1179383942, ClinGen allele CA522806650.
Genomic context (GRCh38, chr1:43,419,731, plus strand): 5'-TCCTGTTCTTCCTTCTCCTATGCCTCTGTCAGAGCTAGGTCTTCAGTTGCTCACTTTTTC[C>T]AGGTGGGAGGAGTTTACTCTTATGACTGCAGTTTTGGCCATGTGCCCAATGTGGAATTAA-3'